The following is an entry in ClinVar:

NM_000525.4(KCNJ11):c.816_829del (p.Ser273fs)

Gene: KCNJ11 (potassium inwardly rectifying channel subfamily J member 11; minus strand). Cytogenetic location: 11p15.1.
Variant type: Deletion.
Coding change: c.816_829del on transcript NM_000525.4 (MANE Select); coding-DNA positions 816 to 829, 14 bases deleted (CAGCGACCTGCACC).
Protein change: p.Ser273fs; shifts the reading frame from serine 273.
Molecular consequence: frameshift variant.
Genome position (GRCh38, 1-based): chr11:17,387,263-17,387,276, GGTGCAGGTCGCTG deleted on the plus strand (CAGCGACCTGCACC on the coding strand, the reverse complement: KCNJ11 is on the minus strand); deleting any 14 consecutive bases within chr11:17,387,263-17,387,281 gives the same sequence; the c. name uses the placement nearest the transcript's 3' end. VCF-style (leftmost placement, unchanged base first): chr11-17387262-TGGTGCAGGTCGCTG-T. GRCh37 (hg19) VCF-style: chr11-17408809-TGGTGCAGGTCGCTG-T.
Other names: c.555_568del, p.Ser186fs (NM_001166290.2, NM_001377296.1, NM_001377297.1); c.816_829delCAGCGACCTGCACC (NM_000525.3); short protein forms S186fs, S273fs.
Identifiers: ClinVar variation 2676207 (VCV002676207.2), dbSNP rs2496408893, ClinGen allele CA2612638664.
Genomic context (GRCh38, chr11:17,387,262, plus strand): 5'-GTGATGCCCGTGGTTTCCACCACGCCTTCCAGGATGACGATGATCTCGAGGTCCTGGTGG[TGGTGCAGGTCGCTG>T]GGTGCCAGGTCGTAGAGTGGGCTGTTGGCATCAATGACATGGTAGATGATCAGCGGGGCC-3'

ClinVar aggregate classification (germline): Likely pathogenic. Review status: criteria provided, multiple submitters, no conflicts (2 of 4 stars). 2 submissions from 2 submitters: Likely pathogenic (2). Last evaluated 2025-12-15.

Conditions:
Type 2 diabetes mellitus. Also called: Type II diabetes mellitus. Identifiers: MedGen C0011860, MeSH D003924, MONDO:0005148, OMIM 125853, HP:0005978.
Permanent neonatal diabetes mellitus (PNDM). Identifiers: Orphanet 99885, MedGen C1833104, MONDO:0100164, MONDO:0011643. Disease mechanism: gain of function.

Submissions (2):

Natera, Inc.
Classification: Likely pathogenic for Permanent neonatal diabetes mellitus. Last evaluated: 2025-12-15. Review status: criteria provided, single submitter. Criteria: Natera Variant Classification Schema (03/2026). Collection method: clinical testing. Allele origin: germline.
Comment: The c.816_829delCAGCGACCTGCACC variant in KCNJ11 is a frameshift variant predicted to shift the reading frame beginning at codon 273 and leads to a stop codon 31 codons downstream. This variant is expected to result in nonsense mediated decay, truncation, or a dysfunctional protein product. This variant is rare in the general population with a frequency below the threshold expected for the associated phenotype(s). Given the available evidence, this variant is classified as Likely Pathogenic.

Baylor Genetics
Classification: Likely pathogenic for Type 2 diabetes mellitus. Last evaluated: 2023-06-01. Review status: criteria provided, single submitter. Criteria: ACMG Guidelines, 2015. Collection method: clinical testing. Allele origin: unknown.